The following is an entry in ClinVar:

NM_001267550.2(TTN):c.55732T>C (p.Tyr18578His)

Genes: TTN-AS1 (TTN antisense RNA 1; plus strand), TTN (titin; minus strand). Cytogenetic location: 2q31.2.
Variant type: single nucleotide variant.
Coding change: c.55732T>C on transcript NM_001267550.2 (MANE Select); coding-DNA position 55732, T replaced by C.
Protein change: p.Tyr18578His; replaces tyrosine 18578 with histidine.
Molecular consequence: missense variant.
Genome position (GRCh38, 1-based): chr2:178,601,265, A>G on the plus strand (T>C on the coding strand, the complement: TTN is on the minus strand). VCF-style: chr2-178601265-A-G. GRCh37 (hg19) VCF-style: chr2-179465992-A-G.
Other names: c.50809T>C, p.Tyr16937His (NM_001256850.1); c.28537T>C, p.Tyr9513His (NM_003319.4); c.48028T>C, p.Tyr16010His (NM_133378.4); c.28912T>C, p.Tyr9638His (NM_133432.3); c.29113T>C, p.Tyr9705His (NM_133437.4); short protein forms Y16010H, Y16937H, Y18578H, Y9513H, Y9638H, Y9705H.
Identifiers: ClinVar variation 4076426 (VCV004076426.1), dbSNP rs2053374302.
Genomic context (GRCh38, chr2:178,601,265, plus strand): 5'-GTTTATAATAATATACTTCAATTTTGAGAAGATATTTTAAATTTAGATTTTAAAGCTTAC[A>G]TATCGGATCTCTGGCAGTGGTCCTCTGAATGGTTTCCACAGGTGGGCCAATACCAAAACG-3'
Protein context (NP_001254479.2, residues 18568-18588): IQRTTARDPI[Tyr18578His]PPDPPIKLKI

ClinVar aggregate classification (germline): Likely benign (1 of 4 stars; one submission).

gnomAD v4.1: 1 of 1,538,218 alleles (0.000065%); highest among the groups gnomAD compares: Non-Finnish European, 0.000087%; no homozygotes.

Submission:

Molecular Diagnostic Laboratory for Inherited Cardiovascular Disease, Montreal Heart Institute
Classification: Likely benign. Last evaluated: 2025-07-24. Review status: criteria provided, single submitter. Criteria: ACMG Guidelines, 2015. Collection method: clinical testing. Allele origin: germline. Affected: no.
Comment: PM2